The following is an entry in ClinVar:

ClinVar aggregate classification (germline): Uncertain significance (1 of 4 stars; one submission).

Conditions:
Progressive sclerosing poliodystrophy (MTDPS4A). Also called: Mitochondrial DNA Depletion Syndrome 4A; Alpers-Huttenlocher Syndrome (AHS); ALPERS PROGRESSIVE INFANTILE POLIODYSTROPHY; NEURONAL DEGENERATION OF CHILDHOOD WITH LIVER DISEASE, PROGRESSIVE; Mitochondrial DNA depletion syndrome 4A (Alpers type); Alpers Syndrome. Identifiers: Orphanet 726, MedGen C0205710, MONDO:0008758, OMIM 203700.

Submission:

Labcorp Genetics (formerly Invitae), Labcorp
Classification: Uncertain significance for Progressive sclerosing poliodystrophy. Last evaluated: 2022-08-02. Review status: criteria provided, single submitter. Criteria: Invitae Variant Classification Sherloc (09022015). Collection method: clinical testing. Allele origin: germline.
Comment: In summary, the available evidence is currently insufficient to determine the role of this variant in disease. Therefore, it has been classified as a Variant of Uncertain Significance. Algorithms developed to predict the effect of sequence changes on RNA splicing suggest that this variant may create or strengthen a splice site. This variant has not been reported in the literature in individuals affected with POLG-related conditions. This variant is not present in population databases (gnomAD no frequency). This sequence change falls in intron 9 of the POLG gene. It does not directly change the encoded amino acid sequence of the POLG protein.

NM_002693.3(POLG):c.1713-16T>G

Gene: POLG (DNA polymerase gamma, catalytic subunit; minus strand). Cytogenetic location: 15q26.1.
Variant type: single nucleotide variant.
Coding change: c.1713-16T>G on transcript NM_002693.3 (MANE Select); 16 bases into the intron before coding-DNA position 1713, T replaced by G.
Molecular consequence: intron variant.
Genome position (GRCh38, 1-based): chr15:89,325,702, A>C on the plus strand (T>G on the coding strand, the complement: POLG is on the minus strand). VCF-style: chr15-89325702-A-C. GRCh37 (hg19) VCF-style: chr15-89868933-A-C.
Other names: c.1713-16T>G (NM_001126131.2).
Identifiers: ClinVar variation 2099851 (VCV002099851.4), dbSNP rs2509249451, ClinGen allele CA2580090219.